The following is an entry in ClinVar:

NM_025132.4(WDR19):c.2201A>G (p.Asn734Ser)

Gene: WDR19 (WD repeat domain 19; plus strand). Cytogenetic location: 4p14.
Variant type: single nucleotide variant.
Coding change: c.2201A>G on transcript NM_025132.4 (MANE Select); coding-DNA position 2201, A replaced by G.
Protein change: p.Asn734Ser; replaces asparagine 734 with serine.
Molecular consequence: missense variant.
Genome position (GRCh38, 1-based): chr4:39,232,220, A>G. VCF-style: chr4-39232220-A-G. GRCh37 (hg19) VCF-style: chr4-39233840-A-G.
Other names: c.1721A>G, p.Asn574Ser (NM_001317924.2); short protein forms N734S, N574S.
Identifiers: ClinVar variation 2000640 (VCV002000640.4), dbSNP rs892296811, ClinGen allele CA95676501.

ClinVar aggregate classification (germline): Uncertain significance (1 of 4 stars; one submission).

Conditions:
Asphyxiating thoracic dystrophy 5 (SRTD5). Also called: SHORT-RIB THORACIC DYSPLASIA 5 WITHOUT POLYDACTYLY; SHORT-RIB THORACIC DYSPLASIA 5 WITH OR WITHOUT POLYDACTYLY. Identifiers: Orphanet 474, MedGen C3280598, MONDO:0013717, OMIM 614376.
Senior-Loken syndrome 8 (SLSN8). Identifiers: Orphanet 3156, MedGen C4225376, MONDO:0014579, OMIM 616307.

Allele frequency attached by ClinVar (database versions not stated): TOPMed below 0.00001.

Submission:

Labcorp Genetics (formerly Invitae), Labcorp
Classification: Uncertain significance for Senior-Loken syndrome 8; Asphyxiating thoracic dystrophy 5. Last evaluated: 2024-10-29. Review status: criteria provided, single submitter. Criteria: Invitae Variant Classification Sherloc (09022015). Collection method: clinical testing. Allele origin: germline.
Comment: This sequence change replaces asparagine, which is neutral and polar, with serine, which is neutral and polar, at codon 734 of the WDR19 protein (p.Asn734Ser). This variant is not present in population databases (gnomAD no frequency). This variant has not been reported in the literature in individuals affected with WDR19-related conditions. ClinVar contains an entry for this variant (Variation ID: 2000640). Invitae Evidence Modeling of protein sequence and biophysical properties (such as structural, functional, and spatial information, amino acid conservation, physicochemical variation, residue mobility, and thermodynamic stability) indicates that this missense variant is not expected to disrupt WDR19 protein function with a negative predictive value of 80%. In summary, the available evidence is currently insufficient to determine the role of this variant in disease. Therefore, it has been classified as a Variant of Uncertain Significance.